The following is an entry in ClinVar:

NM_007294.4(BRCA1):c.442-716A>G

Gene: BRCA1 (BRCA1 DNA repair associated; minus strand). Cytogenetic location: 17q21.31.
Variant type: single nucleotide variant.
Coding change: c.442-716A>G on transcript NM_007294.4 (MANE Select); 716 bases into the intron before coding-DNA position 442, A replaced by G.
Molecular consequence: intron variant.
Genome position (GRCh38, 1-based): chr17:43,100,596, T>C on the plus strand (A>G on the coding strand, the complement: BRCA1 is on the minus strand). VCF-style: chr17-43100596-T-C. GRCh37 (hg19) VCF-style: chr17-41252613-T-C.
Other names: IVS 7-716A>G; c.301-716A>G (NM_001408458.1, NM_001407922.1, NM_001408469.1 and 61 more transcripts); c.-218-5736A>G (NM_001407967.1, NM_001407966.1); c.61-716A>G (NM_001407959.1, NM_001408512.1, NM_001408510.1 and 3 more transcripts); c.301-719A>G (NM_001407931.1, NM_001407747.1, NM_001408470.1 and 35 more transcripts); c.61-719A>G (NM_001407962.1); c.232-716A>G (NM_001407885.1, NM_001407886.1, NM_001407881.1 and 37 more transcripts); c.442-719A>G (NM_001407686.1, NM_001408397.1, NM_001407632.1 and 65 more transcripts); and 6 more.
Identifiers: ClinVar variation 209472 (VCV000209472.3), dbSNP rs10445318, ClinGen allele CA276442.

ClinVar aggregate classification (germline): Benign. Review status: reviewed by expert panel (3 of 4 stars). 2 submissions from 2 submitters: Benign (1). 1 of the submissions does not count toward it. Last evaluated 2015-01-12.

Conditions:
Breast-ovarian cancer, familial, susceptibility to, 1 (BROVCA1). Also called: BRCA1 Hereditary Breast and Ovarian Cancer; OVARIAN CANCER, SUSCEPTIBILITY TO. Identifiers: Orphanet 145, MedGen C2676676, MONDO:0011450, OMIM 604370. Disease mechanism: loss of function.

Allele frequency attached by ClinVar (database versions not stated): 1000 Genomes Project 0.29073.
gnomAD v4.1: 6,013 of 49,214 alleles (12%); highest among the groups gnomAD compares: South Asian, 27%; 911 homozygotes.

Submissions (2):

Evidence-based Network for the Interpretation of Germline Mutant Alleles (ENIGMA)
Classification: Benign for Breast-ovarian cancer, familial 1. Last evaluated: 2015-01-12. Review status: reviewed by expert panel. Criteria: ENIGMA BRCA1/2 Classification Criteria (2015). Collection method: curation. Allele origin: germline.
Comment: Class 1 not pathogenic based on frequency >1% in an outbred sampleset. Frequency 0.0979 (Asian), 0.07927 (African), 0.1557 (European), derived from 1000 genomes (2012-04-30).

Breakthrough Genomics
Classification: Benign. Review status: criteria provided, single submitter. Criteria: ACMG Guidelines, 2015. Collection method: not provided. Allele origin: germline. Inheritance: Autosomal recessive inheritance. Affected: yes. Not counted in ClinVar's aggregate classification.